The following is an entry in ClinVar:

NM_000085.5(CLCNKB):c.1393G>A (p.Gly465Arg)

Genes: CLCNKB (chloride voltage-gated channel Kb; plus strand), LOC106501713 (CLCNKB recombination region; plus strand). Cytogenetic location: 1p36.13.
Variant type: single nucleotide variant.
Coding change: c.1393G>A on transcript NM_000085.5 (MANE Select); coding-DNA position 1393, G replaced by A.
Protein change: p.Gly465Arg; replaces glycine 465 with arginine.
Molecular consequence: missense variant.
Genome position (GRCh38, 1-based): chr1:16,051,805, G>A. VCF-style: chr1-16051805-G-A. GRCh37 (hg19) VCF-style: chr1-16378300-G-A.
Other names: c.886G>A, p.Gly296Arg (NM_001165945.2); short protein forms G296R, G465R.
Identifiers: ClinVar variation 3704344 (VCV003704344.2).

ClinVar aggregate classification (germline): Uncertain significance (1 of 4 stars; one submission).

gnomAD v4.1: 107 of 1,612,200 alleles (0.0066%); highest among the groups gnomAD compares: Non-Finnish European, 0.0089%; no homozygotes.

Submission:

Labcorp Genetics (formerly Invitae), Labcorp
Classification: Uncertain significance. Last evaluated: 2025-04-29. Review status: criteria provided, single submitter. Criteria: Invitae Variant Classification Sherloc (09022015). Collection method: clinical testing. Allele origin: germline.
Comment: This sequence change replaces glycine, which is neutral and non-polar, with arginine, which is basic and polar, at codon 465 of the CLCNKB protein (p.Gly465Arg). This variant is present in population databases (rs764529519, gnomAD 0.004%). This missense change has been observed in individual(s) with CLCNKB-related conditions (PMID: 24271511, 28381550, 35628451). ClinVar contains an entry for this variant (Variation ID: 3704344). Invitae Evidence Modeling of protein sequence and biophysical properties (such as structural, functional, and spatial information, amino acid conservation, physicochemical variation, residue mobility, and thermodynamic stability) has been performed for this missense variant. However, the output from this modeling did not meet the statistical confidence thresholds required to predict the impact of this variant on CLCNKB protein function. Experimental studies have shown that this missense change affects CLCNKB function (PMID: 31803959). Algorithms developed to predict the effect of sequence changes on RNA splicing suggest that this variant may create or strengthen a splice site. In summary, the available evidence is currently insufficient to determine the role of this variant in disease. Therefore, it has been classified as a Variant of Uncertain Significance.

Literature cited by the submitters: PubMed 24271511; PubMed 28381550; PubMed 35628451; PubMed 31803959.